The following is an entry in ClinVar:

NM_001127453.2(GSDME):c.576+13G>A

Genes: GSDME (gasdermin E; minus strand), LOC129998098 (ATAC-STARR-seq lymphoblastoid active region 25750; plus strand). Cytogenetic location: 7p15.3.
Variant type: single nucleotide variant.
Coding change: c.576+13G>A on transcript NM_001127453.2 (MANE Select); 13 bases into the intron after coding-DNA position 576, G replaced by A.
Molecular consequence: intron variant.
Genome position (GRCh38, 1-based): chr7:24,719,034, C>T on the plus strand (G>A on the coding strand, the complement: GSDME is on the minus strand). VCF-style: chr7-24719034-C-T. GRCh37 (hg19) VCF-style: chr7-24758653-C-T.
Other names: c.84+13G>A (NM_001127454.2); c.576+13G>A (NM_004403.3).
Identifiers: ClinVar variation 359852 (VCV000359852.13), dbSNP rs367730024, ClinGen allele CA4191698.

ClinVar aggregate classification (germline): Benign/Likely benign. Review status: criteria provided, multiple submitters, no conflicts (2 of 4 stars). 3 submissions from 3 submitters: Benign (1); Likely benign (2). Last evaluated 2025-04-15.

Conditions:
Autosomal dominant nonsyndromic hearing loss 5. Identifiers: Orphanet 90635, MedGen C1832932, MONDO:0010973, OMIM 600994.

Allele frequency attached by ClinVar (database versions not stated): TOPMed 0.00029; ESP Exome Variant Server 0.00008; gnomAD 0.00011 and 0.00006; 1000 Genomes Project 30x 0.00016; gnomAD exomes 0.00007 and 0.00020; ExAC 0.00016; 1000 Genomes Project 0.00020.
gnomAD v4.1: 124 of 1,611,624 alleles (0.0077%); highest among the groups gnomAD compares: East Asian, 0.21%; no homozygotes.

Submissions (3):

Labcorp Genetics (formerly Invitae), Labcorp
Classification: Benign. Last evaluated: 2025-04-15. Review status: criteria provided, single submitter. Criteria: Invitae Variant Classification Sherloc (09022015). Collection method: clinical testing. Allele origin: germline.

Blueprint Genetics
Classification: Likely benign. Last evaluated: 2023-12-15. Review status: criteria provided, single submitter. Criteria: ACMG Guidelines, 2015. Collection method: clinical testing. Allele origin: germline.

Illumina Laboratory Services, Illumina
Classification: Likely benign for Autosomal dominant nonsyndromic hearing loss 5. Last evaluated: 2018-01-13. Review status: criteria provided, single submitter. Criteria: ICSL Variant Classification Criteria 13 December 2019. Collection method: clinical testing. Allele origin: germline.
Comment: This variant was observed in the ICSL laboratory as part of a predisposition screen in an ostensibly healthy population. It had not been previously curated by ICSL or reported in the Human Gene Mutation Database (HGMD: prior to June 1st, 2018), and was therefore a candidate for classification through an automated scoring system. Utilizing variant allele frequency, disease prevalence and penetrance estimates, and inheritance mode, an automated score was calculated to assess if this variant is too frequent to cause the disease. Based on the score and internal cut-off values, a variant classified as likely benign is not then subjected to further curation. The score for this variant resulted in a classification of likely benign for this disease.